The following is an entry in ClinVar:

NM_005859.5(PURA):c.290A>G (p.Lys97Arg)

Gene: PURA (purine rich element binding protein A; plus strand). Cytogenetic location: 5q31.3.
Variant type: single nucleotide variant.
Coding change: c.290A>G on transcript NM_005859.5 (MANE Select); coding-DNA position 290, A replaced by G.
Protein change: p.Lys97Arg; replaces lysine 97 with arginine.
Molecular consequence: missense variant.
Genome position (GRCh38, 1-based): chr5:140,114,471, A>G. VCF-style: chr5-140114471-A-G. GRCh37 (hg19) VCF-style: chr5-139494056-A-G.
Other names: short protein forms K97R.
Identifiers: ClinVar variation 3777658 (VCV003777658.1).

ClinVar aggregate classification (germline): Uncertain significance (1 of 4 stars; one submission).

Submission:

GeneDx
Classification: Uncertain significance. Last evaluated: 2024-10-11. Review status: criteria provided, single submitter. Criteria: GeneDx Variant Classification Process June 2021. Collection method: clinical testing. Allele origin: germline. Affected: yes.
Comment: Has not been previously published as pathogenic or benign to our knowledge; Not observed at significant frequency in large population cohorts (gnomAD); In silico analysis indicates that this missense variant does not alter protein structure/function